The following is an entry in ClinVar:

ClinVar aggregate classification (germline): Benign. Review status: criteria provided, multiple submitters, no conflicts (2 of 4 stars). 2 submissions from 2 submitters: Benign (2). Last evaluated 2018-01-13.

Conditions:
Peters plus syndrome. Also called: KRAUSE-KIVLIN SYNDROME. Identifiers: Orphanet 709, MedGen C0796012, MONDO:0009856, OMIM 261540.

Allele frequency attached by ClinVar (database versions not stated): 1000 Genomes Project 0.60942; 1000 Genomes Project 30x 0.60946; gnomAD 0.66114 and 0.66105; TOPMed 0.65574.

Submissions (2):

Illumina Laboratory Services, Illumina
Classification: Benign for Peters plus syndrome. Last evaluated: 2018-01-13. Review status: criteria provided, single submitter. Criteria: ICSL Variant Classification Criteria 13 December 2019. Collection method: clinical testing. Allele origin: germline.
Comment: This variant was observed in the ICSL laboratory as part of a predisposition screen in an ostensibly healthy population. It had not been previously curated by ICSL or reported in the Human Gene Mutation Database (HGMD: prior to June 1st, 2018), and was therefore a candidate for classification through an automated scoring system. Utilizing variant allele frequency, disease prevalence and penetrance estimates, and inheritance mode, an automated score was calculated to assess if this variant is too frequent to cause the disease. Based on the score and internal cut-off values, a variant classified as benign is not then subjected to further curation. The score for this variant resulted in a classification of benign for this disease.

Breakthrough Genomics
Classification: Benign. Review status: criteria provided, single submitter. Criteria: ACMG Guidelines, 2015. Collection method: not provided. Allele origin: germline. Inheritance: Autosomal recessive inheritance. Affected: yes.

NM_194318.4(B3GLCT):c.*2067A>G

Gene: B3GLCT (beta 3-glucosyltransferase; plus strand). Cytogenetic location: 13q12.3.
Variant type: single nucleotide variant.
Coding change: c.*2067A>G on transcript NM_194318.4 (MANE Select); 2067 bases downstream of the stop codon, A replaced by G.
Molecular consequence: 3 prime UTR variant.
Genome position (GRCh38, 1-based): chr13:31,331,735, A>G. VCF-style: chr13-31331735-A-G. GRCh37 (hg19) VCF-style: chr13-31905872-A-G.
Identifiers: ClinVar variation 883946 (VCV000883946.5), dbSNP rs2056445, ClinGen allele CA13856859.